The following is an entry in ClinVar:

NM_001165963.4(SCN1A):c.5217C>T (p.Pro1739=)

Genes: SCN1A (sodium voltage-gated channel alpha subunit 1; minus strand), LOC102724058 (uncharacterized LOC102724058; plus strand). Cytogenetic location: 2q24.3.
Variant type: single nucleotide variant.
Coding change: c.5217C>T on transcript NM_001165963.4 (MANE Select); coding-DNA position 5217, C replaced by T.
Protein change: p.Pro1739=; no amino-acid change (proline 1739 retained).
Molecular consequence: synonymous variant. On other transcripts: non-coding transcript variant (1).
Genome position (GRCh38, 1-based): chr2:165,992,058, G>A on the plus strand (C>T on the coding strand, the complement: SCN1A is on the minus strand). VCF-style: chr2-165992058-G-A. GRCh37 (hg19) VCF-style: chr2-166848568-G-A.
Other names: c.5133C>T, p.Pro1711= (NM_001165964.3, NM_001353957.2, NM_001353958.2); c.5217C>T, p.Pro1739= (NM_001202435.3, NM_001353948.2); c.5184C>T, p.Pro1728= (NM_001353949.2, NM_001353950.2, NM_001353951.2 and 2 more transcripts); c.5181C>T, p.Pro1727= (NM_001353954.2, NM_001353955.2); c.5130C>T, p.Pro1710= (NM_001353960.2); c.2775C>T, p.Pro925= (NM_001353961.2).
Identifiers: ClinVar variation 461281 (VCV000461281.19), dbSNP rs149315236, ClinGen allele CA1942686.

ClinVar aggregate classification (germline): Conflicting classifications of pathogenicity. Review status: criteria provided, conflicting classifications (1 of 4 stars). 6 submissions from 5 submitters: Uncertain significance (2); Benign (1); Likely benign (3). Last evaluated 2025-12-11.

Conditions:
Early-infantile DEE. Also called: Early infantile epileptic encephalopathy with suppression bursts; Early infantile epileptic encephalopathy; Ohtahara syndrome. Identifiers: Orphanet 1934, MedGen C0393706, MONDO:0800491.
Migraine, familial hemiplegic, 3. Identifiers: Orphanet 569, MedGen C1864987, MONDO:0012320, OMIM 609634.
Generalized epilepsy with febrile seizures plus, type 2 (GEFSP2). Also called: GEFS+, TYPE 2. Identifiers: Orphanet 36387, MedGen C1858673, MONDO:0011461, OMIM 604403.
Severe myoclonic epilepsy in infancy (DRVT). Also called: DEVELOPMENTAL AND EPILEPTIC ENCEPHALOPATHY 6A; Severe Myoclonic Epilepsy in Infancy (SMEI); Dravet syndrome; Epileptic encephalopathy, early infantile, 6 (Dravet syndrome); SEVERE MYOCLONIC EPILEPSY OF INFANCY. Identifiers: Orphanet 33069, MedGen C0751122, MONDO:0100135, OMIM 607208.
Developmental and epileptic encephalopathy 6B. Also called: Developmental and epileptic encephalopathy 6B, non-Dravet. Identifiers: MedGen C5543353, MONDO:0030268, OMIM 619317.
Inborn genetic diseases. Identifiers: MedGen C0950123, MeSH D030342.

Allele frequency attached by ClinVar (database versions not stated): ExAC 0.00002; gnomAD 0.00011 and 0.00014; TOPMed 0.00019; ESP Exome Variant Server 0.00023.
gnomAD v4.1: 61 of 1,613,808 alleles (0.0038%); highest among the groups gnomAD compares: African/African-American, 0.031%; no homozygotes.

Submissions (6):

Labcorp Genetics (formerly Invitae), Labcorp
Classification: Likely benign for Early-infantile DEE. Last evaluated: 2025-12-11. Review status: criteria provided, single submitter. Criteria: Invitae Variant Classification Sherloc (09022015). Collection method: clinical testing. Allele origin: germline.

Women's Health and Genetics/Laboratory Corporation of America, LabCorp
Classification: Benign. Last evaluated: 2024-06-10. Review status: criteria provided, single submitter. Criteria: LabCorp Variant Classification Summary - May 2015. Collection method: clinical testing. Allele origin: germline.

Center for Genomics, Ann and Robert H. Lurie Children's Hospital of Chicago
Classification: Uncertain significance for Developmental and epileptic encephalopathy 6B; Migraine, familial hemiplegic, 3; Severe myoclonic epilepsy in infancy; Generalized epilepsy with febrile seizures plus, type 2. Last evaluated: 2021-03-30. Review status: criteria provided, single submitter. Criteria: ACMG Guidelines, 2015. Collection method: clinical testing. Allele origin: germline.
Comment: SCN1A NM_001165963 exon 26 p.Pro1739Pro (c.5217C>T):This variant has not been reported in the literature but is present in 4/15298 African alleles in the Genome Aggregation Database. Evolutionary conservation and computational predictive tools for this variant are limited or unavailable. Of note, this variant is a silent variant and does not change the amino acid, reducing the probability that this variant is disease causing. In summary, data on this variant is insufficient for disease classification. Therefore, the clinical significance of this variant is uncertain.

Ambry Genetics
Classification: Likely benign for Inborn genetic diseases. Last evaluated: 2019-12-12. Review status: criteria provided, single submitter. Criteria: Ambry Variant Classification Scheme 2023. Collection method: clinical testing. Allele origin: germline.

GeneDx
Classification: Likely benign. Last evaluated: 2019-10-11. Review status: criteria provided, single submitter. Criteria: GeneDx Variant Classification Process June 2021. Collection method: clinical testing. Allele origin: germline. Affected: yes.

Center for Genomics, Ann and Robert H. Lurie Children's Hospital of Chicago
Classification: Uncertain significance for Generalized epilepsy with febrile seizures plus, type 2; Severe myoclonic epilepsy in infancy; Migraine, familial hemiplegic, 3. Last evaluated: 2017-11-02. Review status: criteria provided, single submitter. Criteria: ACMG Guidelines, 2015. Collection method: clinical testing. Allele origin: germline.
Comment: SCN1A NM_001165963.1 exon 26 p.Pro1739= (c.5217C>T):This variant has not been reported in the literature but is present in 4/15298 African alleles in the Genome Aggregation Database. Evolutionary conservation and computational predictive tools for this variant are limited or unavailable. Of note, this variant is a silent variant and does not change the amino acid, reducing the probability that this variant is disease causing. In summary, data on this variant is insufficient for disease classification. Therefore, the clinical significance of this variant is uncertain.